The following is an entry in ClinVar:

ClinVar aggregate classification (germline): Pathogenic/Likely pathogenic. Review status: criteria provided, multiple submitters, no conflicts (2 of 4 stars). 3 submissions from 3 submitters: Pathogenic (1); Likely pathogenic (1). 1 of the submissions does not count toward it. Last evaluated 2026-01-18.

Conditions:
Mitochondrial dna depletion syndrome 21. Identifiers: MedGen C5975599, MONDO:0976132, OMIM 621071.

gnomAD v4.1: 154 of 1,521,868 alleles (0.01%); highest among the groups gnomAD compares: Non-Finnish European, 0.013%; no homozygotes.

Submissions (3):

3billion
Classification: Pathogenic for Mitochondrial dna depletion syndrome 21. Last evaluated: 2026-01-18. Review status: criteria provided, single submitter. Criteria: ACMG Guidelines, 2015. Collection method: clinical testing. Allele origin: germline. Affected: yes.
Comment: The variant is observed at an extremely low frequency in the gnomAD v4.1.0 dataset (total allele frequency: 0.010%). Predicted Consequence/Location: Canonical splice site: predicted to alter splicing and result in a loss or disruption of normal protein function. Multiple pathogenic loss-of-function variants are reported downstream of the variant. In silico tools predict the variant to alter splicing and produce an abnormal transcript [SpliceAI: 0.99 (spliceogenicity >=0.2, non-spliceogenicity <0.1)]. The variant has been reported at least twice as pathogenic without evidence for the classification (ClinVar ID: VCV003600310 /PMID: 39230499). Therefore, this variant is classified as Pathogenic according to the recommendation of ACMG/AMP guideline.

Victorian Clinical Genetics Services, Murdoch Childrens Research Institute
Classification: Likely pathogenic for Mitochondrial dna depletion syndrome 21. Last evaluated: 2025-07-02. Review status: criteria provided, single submitter. Criteria: ACMG Guidelines, 2015. Collection method: clinical testing. Allele origin: germline. Affected: yes.
Comment: This variant is classified as Likely pathogenic. Evidence in support of pathogenic classification: Canonical splice site variant without proven consequence on splicing (no functional evidence available). This variant has been reported to result in aberrant splicing of mitochondrial isoform A leading to a premature termination codon; however, relevant data was not shown to prove this outcome (PMID: 39230499). In addition, total GUK1 mRNA levels were severely decreased in the fibroblast sample of a homozygous individual, and consisted entirely of cytosolic isoform B suggesting nonsense-mediated mRNA decay of the mitochondrial isoform A (PMID: 39230499); Variant is present in gnomAD <0.01 for a recessive condition (v4: 154 heterozygote(s), 0 homozygote(s)); This variant has limited previous evidence of pathogenicity in an unrelated individual. This variant has been reported in the literature in a homozygous state in an individual with mitochondrial DNA depletion syndrome (PMID: 39230499); This variant has moderate functional evidence supporting abnormal protein function. Reduced mtDNA levels have been shown in several tissues from an affected individual who is homozygous for this variant (PMID: 39230499). Additional information: This variant is non-coding in an alternative transcript. This variant is present in the mitochondrial isoform A and absent in the cytosolic isoform B (PMID: 39230499); This variant is homozygous; This gene is associated with autosomal recessive disease; Alternative nucleotide change(s) at the same canonical splice site are present in gnomAD (Highest allele count: v4: 4 heterozygote(s), 0 homozygote(s)); No comparable canonical splice site variants have previous evidence for pathogenicity; In silico prediction for abnormal splicing and nucleotide conservation are conflicting; Loss of function is a known mechanism of disease in this gene and is associated with mitochondrial DNA depletion syndrome 21 (MIM#621071); Inheritance information for this variant is not currently available in this individual.

OMIM
Classification: Pathogenic for MITOCHONDRIAL DNA DEPLETION SYNDROME 21. Last evaluated: 2025-01-23. Review status: no assertion criteria provided. Collection method: literature only. Allele origin: germline. Not counted in ClinVar's aggregate classification.

Literature cited by the submitters: PubMed 39230499 (cited by 3 submitters).

NM_001159390.2(GUK1):c.61+1G>T

Genes: GUK1 (guanylate kinase 1; plus strand), LOC129932713 (ATAC-STARR-seq lymphoblastoid silent region 1914; plus strand). Cytogenetic location: 1q42.13.
Variant type: single nucleotide variant.
Coding change: c.61+1G>T on transcript NM_001159390.2 (MANE Select); the canonical splice donor site of the intron after coding-DNA position 61, G replaced by T.
Molecular consequence: splice donor variant. On other transcripts: intron variant (1).
Genome position (GRCh38, 1-based): chr1:228,140,364, G>T. VCF-style: chr1-228140364-G-T. GRCh37 (hg19) VCF-style: chr1-228328065-G-T.
Other names: c.-3+205G>T (NM_001242839.1); c.-168+1G>T (NM_000858.7); c.61+1G>T (NM_001242840.3).
Identifiers: ClinVar variation 3600310 (VCV003600310.3).